The following is an entry in ClinVar:

ClinVar aggregate classification (germline): Uncertain significance (1 of 4 stars; one submission).

Submission:

Dasa
Classification: Uncertain significance. Last evaluated: 2025-10-15. Review status: criteria provided, single submitter. Criteria: DASA Assertion Criteria. Collection method: clinical testing. Allele origin: germline.
Comment: NM_005357.4(LIPE):c.3216dup (p.Gly1073Argfs*18) is a frameshift variant in LIPE predicted to alter the reading frame and introduce a premature termination codon and is predicted to result in an absent or altered protein product. This variant is rare in population databases. The currently available literature and clinical evidence are not sufficient to establish a definitive association between this variant and the reported condition. Therefore, this variant is classified as a variant of uncertain significance.

NM_005357.4(LIPE):c.3216dup (p.Gly1073fs)

Genes: LIPE (lipase E, hormone sensitive type; minus strand), LIPE-AS1 (LIPE antisense RNA 1; plus strand), LOC101930071 (uncharacterized LOC101930071; plus strand). Cytogenetic location: 19q13.2.
Variant type: Duplication.
Coding change: c.3216dup on transcript NM_005357.4 (MANE Select); coding-DNA position 3216, one base duplicated (C; older notation c.3216dupC).
Protein change: p.Gly1073fs; shifts the reading frame from glycine 1073.
Molecular consequence: frameshift variant.
Genome position (GRCh38, 1-based): chr19:42,401,827, G duplicated on the plus strand (C on the coding strand, the reverse complement: LIPE is on the minus strand). VCF-style (leftmost placement, unchanged base first): chr19-42401826-C-CG. GRCh37 (hg19) VCF-style: chr19-42905978-C-CG.
Other names: c.2466dup, p.Gly823fs (NM_001416100.1); c.2451dup, p.Gly818fs (NM_001416101.1); c.2346dup, p.Gly783fs (NM_001416102.1); c.2313dup, p.Gly772fs (NM_001416103.1, NM_001416104.1); c.2223dup, p.Gly742fs (NM_001416105.1); c.2118dup, p.Gly707fs (NM_001416106.1); c.1629dup, p.Gly544fs (NM_001416107.1); c.1575dup, p.Gly526fs (NM_001416108.1); short protein forms G1073fs, G526fs, G544fs, G707fs, G742fs, G772fs, G783fs, G818fs.
Identifiers: ClinVar variation 4886295 (VCV004886295.2).